The following is an entry in ClinVar:

NM_001999.4(FBN2):c.1410C>T (p.Gly470=)

Gene: FBN2 (fibrillin 2; minus strand). Cytogenetic location: 5q23.3.
Variant type: single nucleotide variant.
Coding change: c.1410C>T on transcript NM_001999.4 (MANE Select); coding-DNA position 1410, C replaced by T.
Protein change: p.Gly470=; no amino-acid change (glycine 470 retained).
Molecular consequence: synonymous variant.
Genome position (GRCh38, 1-based): chr5:128,393,190, G>A on the plus strand (C>T on the coding strand, the complement: FBN2 is on the minus strand). VCF-style: chr5-128393190-G-A. GRCh37 (hg19) VCF-style: chr5-127728883-G-A.
Identifiers: ClinVar variation 383982 (VCV000383982.15), dbSNP rs750103822, ClinGen allele CA3395809.
Genomic context (GRCh38, chr5:128,393,190, plus strand): 5'-CTTACTTAGTCCAGTGATGATAGGTCCCTGTCCCCCGGCCCCCACACCGGCTCCCCCAAC[G>A]CCAGGAGAAAAGCCATTGCCTCCAGGGATGGGGATGAAGCCTGTCCCTCCTGGGCCATAG-3'
Protein context (NP_001990.2, residues 460-480): PIPGGNGFSP[Gly470=]VGGAGVGAGG

ClinVar aggregate classification (germline): Likely benign. Review status: criteria provided, multiple submitters, no conflicts (2 of 4 stars). 5 submissions from 5 submitters: Likely benign (4). 1 of the submissions does not count toward it. Last evaluated 2025-07-18.

Conditions:
FBN2-related disorder. Also called: FBN2-related condition.
Congenital contractural arachnodactyly (CCA). Also called: BEALS SYNDROME; Beals-Hecht syndrome; Arthrogryposis, distal, type 9. Identifiers: Orphanet 115, MedGen C0220668, MONDO:0007363, OMIM 121050.
Familial thoracic aortic aneurysm and aortic dissection (TAAD). Also called: Thoracic aortic aneurysms and dissections. Identifiers: Orphanet 91387, MedGen C4707243, MONDO:0019625.

Allele frequency attached by ClinVar (database versions not stated): ExAC 0.00002; gnomAD exomes 0.00002; TOPMed 0.00002.
gnomAD v4.1: 34 of 1,613,986 alleles (0.0021%); highest among the groups gnomAD compares: Non-Finnish European, 0.0027%; no homozygotes.

Submissions (5):

Labcorp Genetics (formerly Invitae), Labcorp
Classification: Likely benign for Congenital contractural arachnodactyly. Last evaluated: 2025-07-18. Review status: criteria provided, single submitter. Criteria: Invitae Variant Classification Sherloc (09022015). Collection method: clinical testing. Allele origin: germline.

Blueprint Genetics
Classification: Likely benign. Last evaluated: 2020-11-19. Review status: criteria provided, single submitter. Criteria: ACMG Guidelines, 2015. Collection method: clinical testing. Allele origin: germline.

Ambry Genetics
Classification: Likely benign for Familial thoracic aortic aneurysm and aortic dissection. Last evaluated: 2020-07-06. Review status: criteria provided, single submitter. Criteria: Ambry Variant Classification Scheme 2023. Collection method: clinical testing. Allele origin: germline.

GeneDx
Classification: Likely benign. Last evaluated: 2016-02-22. Review status: criteria provided, single submitter. Criteria: GeneDx Variant Classification (06012015). Collection method: clinical testing. Allele origin: germline. Affected: yes.
Comment: This variant is considered likely benign or benign based on one or more of the following criteria: it is a conservative change, it occurs at a poorly conserved position in the protein, it is predicted to be benign by multiple in silico algorithms, and/or has population frequency not consistent with disease.

PreventionGenetics, part of Exact Sciences
Classification: Likely benign for FBN2-related condition. Last evaluated: 2019-05-31. Review status: no assertion criteria provided. Collection method: clinical testing. Allele origin: germline. Not counted in ClinVar's aggregate classification.
Comment: This variant is classified as likely benign based on ACMG/AMP sequence variant interpretation guidelines (Richards et al. 2015 PMID: 25741868, with internal and published modifications).